The following is an entry in ClinVar:

ClinVar aggregate classification (germline): Uncertain significance. Review status: criteria provided, multiple submitters, no conflicts (2 of 4 stars). 3 submissions from 3 submitters: Uncertain significance (3). Last evaluated 2025-04-09.

Conditions:
Hereditary orotic aciduria. Also called: OROTIC ACIDURIA I; OROTIDYLIC PYROPHOSPHORYLASE AND OROTIDYLIC DECARBOXYLASE DEFICIENCY; OROTATE PHOSPHORIBOSYLTRANSFERASE AND OROTIDYLIC DECARBOXYLASE DEFICIENCY; UMP SYNTHASE DEFICIENCY; UMPS DEFICIENCY; OPRT AND ODC DEFICIENCY. Identifiers: Orphanet 30, MedGen C0220987, MONDO:0009797, OMIM 258900.
Inborn genetic diseases. Identifiers: MedGen C0950123, MeSH D030342.
Hereditary orotic aciduria, type 1. Also called: Orotic aciduria type 1; Oroticaciduria 1. Identifiers: MedGen C0268130.

Allele frequency attached by ClinVar (database versions not stated): gnomAD exomes 0.00007; ExAC 0.00008; 1000 Genomes Project 0.00020; gnomAD 0.00027 and 0.00031; TOPMed 0.00046; 1000 Genomes Project 30x 0.00062.
gnomAD v4.1: 88 of 1,614,110 alleles (0.0055%); highest among the groups gnomAD compares: African/African-American, 0.1%; no homozygotes.

Submissions (3):

Ambry Genetics
Classification: Uncertain significance for Inborn genetic diseases. Last evaluated: 2025-04-09. Review status: criteria provided, single submitter. Criteria: Ambry Variant Classification Scheme 2023. Collection method: clinical testing. Allele origin: germline.

Revvity Omics, Revvity
Classification: Uncertain significance for Hereditary orotic aciduria. Last evaluated: 2022-04-02. Review status: criteria provided, single submitter. Criteria: ACMG Guidelines, 2015. Collection method: clinical testing. Allele origin: germline.

Labcorp Genetics (formerly Invitae), Labcorp
Classification: Uncertain significance for Hereditary orotic aciduria, type 1. Last evaluated: 2019-09-29. Review status: criteria provided, single submitter. Criteria: Invitae Variant Classification Sherloc (09022015). Collection method: clinical testing. Allele origin: germline.
Comment: This sequence change replaces glutamine with lysine at codon 355 of the UMPS protein (p.Gln355Lys). The glutamine residue is weakly conserved and there is a small physicochemical difference between glutamine and lysine. This variant is present in population databases (rs202135467, ExAC 0.1%). This variant has not been reported in the literature in individuals with UMPS-related conditions. Algorithms developed to predict the effect of missense changes on protein structure and function (SIFT, PolyPhen-2, Align-GVGD) all suggest that this variant is likely to be tolerated, but these predictions have not been confirmed by published functional studies and their clinical significance is uncertain. In summary, the available evidence is currently insufficient to determine the role of this variant in disease. Therefore, it has been classified as a Variant of Uncertain Significance.

NM_000373.4(UMPS):c.1063C>A (p.Gln355Lys)

Gene: UMPS (uridine monophosphate synthetase; plus strand). Cytogenetic location: 3q21.2.
Variant type: single nucleotide variant.
Coding change: c.1063C>A on transcript NM_000373.4 (MANE Select); coding-DNA position 1063, C replaced by A.
Protein change: p.Gln355Lys; replaces glutamine 355 with lysine.
Molecular consequence: missense variant. On other transcripts: non-coding transcript variant (2).
Genome position (GRCh38, 1-based): chr3:124,740,104, C>A. VCF-style: chr3-124740104-C-A. GRCh37 (hg19) VCF-style: chr3-124458951-C-A.
Other names: short protein forms Q355K.
Identifiers: ClinVar variation 943262 (VCV000943262.14), dbSNP rs202135467, ClinGen allele CA2581793.